The following is an entry in ClinVar:

ClinVar aggregate classification (germline): Uncertain significance (1 of 4 stars; one submission).

Allele frequency attached by ClinVar (database versions not stated): gnomAD exomes below 0.00001.

Submission:

Labcorp Genetics (formerly Invitae), Labcorp
Classification: Uncertain significance. Last evaluated: 2022-06-17. Review status: criteria provided, single submitter. Criteria: Invitae Variant Classification Sherloc (09022015). Collection method: clinical testing. Allele origin: germline.
Comment: This sequence change falls in intron 12 of the GRIA3 gene. It does not directly change the encoded amino acid sequence of the GRIA3 protein. It affects a nucleotide within the consensus splice site. This variant is present in population databases (no rsID available, gnomAD 0.004%). This variant has not been reported in the literature in individuals affected with GRIA3-related conditions. Variants that disrupt the consensus splice site are a relatively common cause of aberrant splicing (PMID: 17576681, 9536098). Algorithms developed to predict the effect of sequence changes on RNA splicing suggest that this variant is not likely to affect RNA splicing. In summary, the available evidence is currently insufficient to determine the role of this variant in disease. Therefore, it has been classified as a Variant of Uncertain Significance.

Literature cited by the submitters: PubMed 17576681; PubMed 9536098.

NM_007325.5(GRIA3):c.2076+3A>G

Gene: GRIA3 (glutamate ionotropic receptor AMPA type subunit 3; plus strand). Cytogenetic location: Xq25.
Variant type: single nucleotide variant.
Coding change: c.2076+3A>G on transcript NM_007325.5 (MANE Select); 3 bases into the intron after coding-DNA position 2076, A replaced by G.
Molecular consequence: intron variant.
Genome position (GRCh38, 1-based): chrX:123,428,142, A>G. VCF-style: chrX-123428142-A-G. GRCh37 (hg19) VCF-style: chrX-122561993-A-G.
Other names: c.2076+3A>G (NM_000828.5).
Identifiers: ClinVar variation 1898188 (VCV001898188.5), dbSNP rs1379711850, ClinGen allele CA644576275.